The following is an entry in ClinVar:

ClinVar aggregate classification (germline): Pathogenic (1 of 4 stars; one submission).

Conditions:
Familial adenomatous polyposis 1 (FAP1). Also called: POLYPOSIS, ADENOMATOUS INTESTINAL; FAMILIAL ADENOMATOUS POLYPOSIS 1, ATTENUATED. Identifiers: MedGen C2713442, MONDO:0021056, OMIM 175100. Disease mechanism: loss of function.

Submission:

Myriad Genetics, Inc.
Classification: Pathogenic for Familial adenomatous polyposis 1. Last evaluated: 2026-08-18. Review status: criteria provided, single submitter. Criteria: Myriad Autosomal Dominant, Autosomal Recessive and X-Linked Classification Criteria (2023). Collection method: clinical testing. Allele origin: unknown.
Comment: This variant is considered pathogenic. This variant creates a frameshift predicted to result in premature protein truncation.

NM_000038.6(APC):c.7244_7248del (p.Glu2415fs)

Gene: APC (APC regulator of Wnt signaling pathway; plus strand). Cytogenetic location: 5q22.2.
Variant type: Deletion.
Coding change: c.7244_7248del on transcript NM_000038.6 (MANE Select); coding-DNA positions 7244 to 7248, 5 bases deleted (AACTT; older notation c.7244_7248delAACTT).
Protein change: p.Glu2415fs; shifts the reading frame from glutamic acid 2415.
Molecular consequence: frameshift variant. On other transcripts: non-coding transcript variant (2).
Genome position (GRCh38, 1-based): chr5:112,842,838-112,842,842, AACTT deleted. VCF-style (leftmost placement, unchanged base first): chr5-112842837-GAACTT-G. GRCh37 (hg19) VCF-style: chr5-112178534-GAACTT-G.
Other names: c.6941_6945del, p.Glu2314fs (NM_001407459.1, NM_001407460.1, NM_001354903.2 and 1 more transcripts); c.6857_6861del, p.Glu2286fs (NM_001407467.1, NM_001407469.1); c.6395_6399del, p.Glu2132fs (NM_001407470.1, NM_001354906.2); c.6092_6096del, p.Glu2031fs (NM_001407471.1, NM_001407472.1); c.7244_7248del, p.Glu2415fs (NM_001354895.2, NM_001407450.1, NM_001127510.3); c.7298_7302del, p.Glu2433fs (NM_001354896.2, NM_001407447.1, NM_001407448.1 and 1 more transcripts); c.7274_7278del, p.Glu2425fs (NM_001354897.2); c.7169_7173del, p.Glu2390fs (NM_001354898.2); and 11 more; short protein forms E2031fs, E2132fs, E2255fs, E2286fs, E2289fs, E2314fs, E2324fs, E2332fs.
Identifiers: ClinVar variation 5042077 (VCV005042077.1).